The following is an entry in ClinVar:

NM_014425.5(INVS):c.3086A>G (p.Asn1029Ser)

Gene: INVS (inversin; plus strand). Cytogenetic location: 9q31.1.
Variant type: single nucleotide variant.
Coding change: c.3086A>G on transcript NM_014425.5 (MANE Select); coding-DNA position 3086, A replaced by G.
Protein change: p.Asn1029Ser; replaces asparagine 1029 with serine.
Molecular consequence: missense variant. On other transcripts: non-coding transcript variant (1).
Genome position (GRCh38, 1-based): chr9:100,298,005, A>G. VCF-style: chr9-100298005-A-G. GRCh37 (hg19) VCF-style: chr9-103060287-A-G.
Other names: c.2798A>G, p.Asn933Ser (NM_001318381.2); c.2108A>G, p.Asn703Ser (NM_001318382.2); short protein forms N1029S, N703S, N933S.
Identifiers: ClinVar variation 4978664 (VCV004978664.1).

ClinVar aggregate classification (germline): Uncertain significance (1 of 4 stars; one submission).

Conditions:
INVS-related disorder. Also called: INVS-related condition.

Submission:

PreventionGenetics, part of Exact Sciences
Classification: Uncertain significance for INVS-related condition. Last evaluated: 2025-11-26. Review status: criteria provided, single submitter. Criteria: ACMG Guidelines, 2015. Collection method: clinical testing. Allele origin: germline.
Comment: The INVS c.3086A>G variant is predicted to result in the amino acid substitution p.Asn1029Ser. To our knowledge, this variant has not been reported in the literature or in a large population database (gnomAD), indicating this variant is rare. At this time, the clinical significance of this variant is uncertain due to the absence of conclusive functional and genetic evidence.